The following is an entry in ClinVar:

NM_014444.5(TUBGCP4):c.1609dup (p.Glu537fs)

Gene: TUBGCP4 (tubulin gamma complex component 4; plus strand). Cytogenetic location: 15q15.3.
Variant type: Duplication.
Coding change: c.1609dup on transcript NM_014444.5 (MANE Select); coding-DNA position 1609, one base duplicated (G; older notation c.1609dupG).
Protein change: p.Glu537fs; shifts the reading frame from glutamic acid 537.
Molecular consequence: frameshift variant.
Genome position (GRCh38, 1-based): chr15:43,401,728, G duplicated; the last of 2 consecutive G bases (chr15:43,401,727-43,401,728); duplicating either gives the same sequence. VCF-style (leftmost placement, unchanged base first): chr15-43401726-T-TG. GRCh37 (hg19) VCF-style: chr15-43693924-T-TG.
Other names: c.1612dup, p.Glu538fs (NM_001286414.3); short protein forms E537fs, E538fs.
Identifiers: ClinVar variation 1072929 (VCV001072929.7), dbSNP rs2142883686, ClinGen allele CA2499222930.

ClinVar aggregate classification (germline): Pathogenic (1 of 4 stars; one submission).

Submission:

Labcorp Genetics (formerly Invitae), Labcorp
Classification: Pathogenic. Last evaluated: 2022-02-03. Review status: criteria provided, single submitter. Criteria: Invitae Variant Classification Sherloc (09022015). Collection method: clinical testing. Allele origin: germline.
Comment: For these reasons, this variant has been classified as Pathogenic. ClinVar contains an entry for this variant (Variation ID: 1072929). This variant has not been reported in the literature in individuals affected with TUBGCP4-related conditions. This variant is not present in population databases (gnomAD no frequency). This sequence change creates a premature translational stop signal (p.Glu538Glyfs*18) in the TUBGCP4 gene. It is expected to result in an absent or disrupted protein product. Loss-of-function variants in TUBGCP4 are known to be pathogenic (PMID: 25817018).

Literature cited by the submitters: PubMed 25817018.